The following is an entry in ClinVar:

ClinVar aggregate classification (germline): Conflicting classifications of pathogenicity. Review status: criteria provided, conflicting classifications (1 of 4 stars). 4 submissions from 4 submitters: Uncertain significance (2); Likely benign (1). 1 of the submissions does not count toward it. Last evaluated 2024-10-11.

Conditions:
PROM1-related disorder. Also called: PROM1-related condition; PROM1-related disorders.

Allele frequency attached by ClinVar (database versions not stated): ExAC 0.00005; TOPMed 0.00002; gnomAD exomes 0.00004.
gnomAD v4.1: 53 of 1,603,358 alleles (0.0033%); highest among the groups gnomAD compares: Non-Finnish European, 0.0043%; no homozygotes.

Submissions (4):

Blueprint Genetics
Classification: Likely benign. Last evaluated: 2024-10-11. Review status: criteria provided, single submitter. Criteria: ACMG Guidelines, 2015. Collection method: clinical testing. Allele origin: germline.

Labcorp Genetics (formerly Invitae), Labcorp
Classification: Uncertain significance. Last evaluated: 2024-04-17. Review status: criteria provided, single submitter. Criteria: Invitae Variant Classification Sherloc (09022015). Collection method: clinical testing. Allele origin: germline.
Comment: This sequence change replaces leucine, which is neutral and non-polar, with phenylalanine, which is neutral and non-polar, at codon 364 of the PROM1 protein (p.Leu364Phe). This variant is present in population databases (rs201706973, gnomAD 0.009%). This missense change has been observed in individual(s) with clinical features of autosomal dominant macular dystrophy (Invitae). ClinVar contains an entry for this variant (Variation ID: 167536). Advanced modeling of protein sequence and biophysical properties (such as structural, functional, and spatial information, amino acid conservation, physicochemical variation, residue mobility, and thermodynamic stability) performed at Invitae indicates that this missense variant is not expected to disrupt PROM1 protein function with a negative predictive value of 80%. In summary, the available evidence is currently insufficient to determine the role of this variant in disease. Therefore, it has been classified as a Variant of Uncertain Significance.

Eurofins Ntd Llc (ga)
Classification: Uncertain significance. Last evaluated: 2014-04-24. Review status: criteria provided, single submitter. Criteria: EGL Classification Definitions 2015. Collection method: clinical testing. Allele origin: germline. Observed: 1 variant allele, 1 heterozygote.

PreventionGenetics, part of Exact Sciences
Classification: Uncertain significance for PROM1-related condition. Last evaluated: 2024-09-07. Review status: no assertion criteria provided. Collection method: clinical testing. Allele origin: germline. Not counted in ClinVar's aggregate classification.
Comment: The PROM1 c.1090C>T variant is predicted to result in the amino acid substitution p.Leu364Phe. To our knowledge, this variant has not been reported in the literature. This variant is reported in 0.0089% of alleles in individuals of European (Non-Finnish) descent in gnomAD. At this time, the clinical significance of this variant is uncertain due to the absence of conclusive functional and genetic evidence.

NM_006017.3(PROM1):c.1090C>T (p.Leu364Phe)

Gene: PROM1 (prominin 1; minus strand). Cytogenetic location: 4p15.32.
Variant type: single nucleotide variant.
Coding change: c.1090C>T on transcript NM_006017.3 (MANE Select); coding-DNA position 1090, C replaced by T.
Protein change: p.Leu364Phe; replaces leucine 364 with phenylalanine.
Molecular consequence: missense variant.
Genome position (GRCh38, 1-based): chr4:16,013,326, G>A on the plus strand (C>T on the coding strand, the complement: PROM1 is on the minus strand). VCF-style: chr4-16013326-G-A. GRCh37 (hg19) VCF-style: chr4-16014949-G-A.
Other names: c.1063C>T, p.Leu355Phe (NM_001145847.2, NM_001145848.2, NM_001145851.2 and 4 more transcripts); c.1090C>T, p.Leu364Phe (NM_001145849.2, NM_001145850.2); c.1090C>T (NM_006017.2); short protein forms L364F, L355F.
Identifiers: ClinVar variation 167536 (VCV000167536.13), dbSNP rs201706973, ClinGen allele CA234726.